The following is an entry in ClinVar:

ClinVar aggregate classification (germline): Uncertain significance (1 of 4 stars; one submission).

Conditions:
Cowden syndrome (CS). Also called: Cowden's disease; Cowden's syndrome; Cowden disease. Identifiers: Orphanet 201, MedGen C0018553, MONDO:0016063. Disease mechanism: gain of function.

Allele frequency attached by ClinVar (database versions not stated): ExAC 0.00001; gnomAD exomes 0.00001; gnomAD 0.00003; TOPMed 0.00004.
gnomAD v4.1: 21 of 1,598,916 alleles (0.0013%); highest among the groups gnomAD compares: Non-Finnish European, 0.0018%; no homozygotes.

Submission:

Labcorp Genetics (formerly Invitae), Labcorp
Classification: Uncertain significance for Cowden syndrome. Last evaluated: 2022-09-23. Review status: criteria provided, single submitter. Criteria: Invitae Variant Classification Sherloc (09022015). Collection method: clinical testing. Allele origin: germline.
Comment: This variant is present in population databases (rs759918867, gnomAD 0.003%). This sequence change falls in intron 16 of the PIK3CA gene. It does not directly change the encoded amino acid sequence of the PIK3CA protein. It affects a nucleotide within the consensus splice site. This variant has not been reported in the literature in individuals affected with PIK3CA-related conditions. ClinVar contains an entry for this variant (Variation ID: 567467). Variants that disrupt the consensus splice site are a relatively common cause of aberrant splicing (PMID: 17576681, 9536098). Algorithms developed to predict the effect of sequence changes on RNA splicing suggest that this variant is not likely to affect RNA splicing. In summary, the available evidence is currently insufficient to determine the role of this variant in disease. Therefore, it has been classified as a Variant of Uncertain Significance.

Literature cited by the submitters: PubMed 17576681; PubMed 9536098.

NM_006218.4(PIK3CA):c.2416+6G>A

Gene: PIK3CA (phosphatidylinositol-4,5-bisphosphate 3-kinase catalytic subunit alpha; plus strand). Cytogenetic location: 3q26.32.
Variant type: single nucleotide variant.
Coding change: c.2416+6G>A on transcript NM_006218.4 (MANE Select); 6 bases into the intron after coding-DNA position 2416, G replaced by A.
Molecular consequence: intron variant.
Genome position (GRCh38, 1-based): chr3:179,224,827, G>A. VCF-style: chr3-179224827-G-A. GRCh37 (hg19) VCF-style: chr3-178942615-G-A.
Other names: c.2416+6G>A (LRG_310t1).
Identifiers: ClinVar variation 567467 (VCV000567467.11), dbSNP rs759918867, ClinGen allele CA2710943.